The following is an entry in ClinVar:

ClinVar aggregate classification (germline): Uncertain significance (1 of 4 stars; one submission).

Submission:

Labcorp Genetics (formerly Invitae), Labcorp
Classification: Uncertain significance. Last evaluated: 2023-07-21. Review status: criteria provided, single submitter. Criteria: Invitae Variant Classification Sherloc (09022015). Collection method: clinical testing. Allele origin: germline.
Comment: This variant has not been reported in the literature in individuals affected with PCARE-related conditions. This variant is not present in population databases (gnomAD no frequency). This sequence change replaces alanine, which is neutral and non-polar, with serine, which is neutral and polar, at codon 957 of the PCARE protein (p.Ala957Ser). ClinVar contains an entry for this variant (Variation ID: 1390558). In summary, the available evidence is currently insufficient to determine the role of this variant in disease. Therefore, it has been classified as a Variant of Uncertain Significance. An algorithm developed to predict the effect of missense changes on protein structure and function (PolyPhen-2) suggests that this variant is likely to be disruptive.

NM_001029883.3(PCARE):c.2869G>T (p.Ala957Ser)

Gene: PCARE (photoreceptor cilium actin regulator; minus strand). Cytogenetic location: 2p23.2.
Variant type: single nucleotide variant.
Coding change: c.2869G>T on transcript NM_001029883.3 (MANE Select); coding-DNA position 2869, G replaced by T.
Protein change: p.Ala957Ser; replaces alanine 957 with serine.
Molecular consequence: missense variant.
Genome position (GRCh38, 1-based): chr2:29,071,393, C>A on the plus strand (G>T on the coding strand, the complement: PCARE is on the minus strand). VCF-style: chr2-29071393-C-A. GRCh37 (hg19) VCF-style: chr2-29294259-C-A.
Other names: short protein forms A957S.
Identifiers: ClinVar variation 1390558 (VCV001390558.6), dbSNP rs1267047277, ClinGen allele CA346476260.